The following is an entry in ClinVar:

NM_152703.5(SAMD9L):c.228T>G (p.Asn76Lys)

Gene: SAMD9L (sterile alpha motif domain containing 9 like; minus strand). Cytogenetic location: 7q21.2.
Variant type: single nucleotide variant.
Coding change: c.228T>G on transcript NM_152703.5 (MANE Select); coding-DNA position 228, T replaced by G.
Protein change: p.Asn76Lys; replaces asparagine 76 with lysine.
Molecular consequence: missense variant.
Genome position (GRCh38, 1-based): chr7:93,135,744, A>C on the plus strand (T>G on the coding strand, the complement: SAMD9L is on the minus strand). VCF-style: chr7-93135744-A-C. GRCh37 (hg19) VCF-style: chr7-92765057-A-C.
Other names: c.228T>G, p.Asn76Lys (NM_001303496.3, NM_001303497.3, NM_001303498.3 and 5 more transcripts); short protein forms N76K.
Identifiers: ClinVar variation 5028846 (VCV005028846.1).
Genomic context (GRCh38, chr7:93,135,744, plus strand): 5'-GGACGGTTTTGAATTATCTAATTGTCCCGGATCATGATTGTCACTTTCAGGGGACTTACT[A>C]TTCAATTTGTTGTATGAACGTTTTATCAAAAGTGCTGGACCCCATGGTAGCCCCATTTCT-3'
Protein context (NP_689916.2, residues 66-86): LLIKRSYNKL[Asn76Lys]SKSPESDNHD

ClinVar aggregate classification (germline): Uncertain significance (1 of 4 stars; one submission).

Conditions:
Inborn genetic diseases. Identifiers: MedGen C0950123, MeSH D030342.

gnomAD v4.1: 1 of 1,613,962 alleles (0.000062%); highest among the groups gnomAD compares: East Asian, 0.0022%; no homozygotes.

Submission:

Ambry Genetics
Classification: Uncertain significance for Inborn genetic diseases. Last evaluated: 2026-06-22. Review status: criteria provided, single submitter. Criteria: Ambry Variant Classification Scheme 2023. Collection method: clinical testing. Allele origin: germline.
Comment: The p.N76K variant (also known as c.228T>G), located in coding exon 1 of the SAMD9L gene, results from a T to G substitution at nucleotide position 228. The asparagine at codon 76 is replaced by lysine, an amino acid with similar properties. This amino acid position is conserved. In addition, this alteration is predicted to be tolerated by in silico analysis. Based on the available evidence, the clinical significance of this variant remains unclear.